The following is an entry in ClinVar:

ClinVar aggregate classification (germline): Conflicting classifications of pathogenicity. Review status: criteria provided, conflicting classifications (1 of 4 stars). 12 submissions from 8 submitters: Uncertain significance (7); Benign (1); Likely benign (4). Last evaluated 2025-04-09.

Conditions:
Dilated cardiomyopathy 1G (CMD1G). Identifiers: Orphanet 154, MedGen C1858763, MONDO:0011400, OMIM 604145.
Autosomal recessive limb-girdle muscular dystrophy type 2J (LGMDR10). Also called: MUSCULAR DYSTROPHY, LIMB-GIRDLE, AUTOSOMAL RECESSIVE 10; Limb-girdle muscular dystrophy, type 2J. Identifiers: Orphanet 140922, MedGen C1837342, MONDO:0012127, OMIM 608807.
Cardiovascular phenotype. Identifiers: MedGen CN230736.
Myopathy, myofibrillar, 9, with early respiratory failure (MFM9). Also called: EDSTROM MYOPATHY; MYOPATHY, PROXIMAL, WITH EARLY RESPIRATORY MUSCLE INVOLVEMENT; Myopathy, distal, with early respiratory failure, autosomal dominant; Hereditary myopathy with early respiratory failure. Identifiers: Orphanet 178464, Orphanet 34521, MedGen C1863599, MONDO:0011362, OMIM 603689.
Early-onset myopathy with fatal cardiomyopathy (CMYO5). Also called: CONGENITAL MYOPATHY 5 WITH CARDIOMYOPATHY; Salih Myopathy. Identifiers: Orphanet 289377, MedGen C2673677, MONDO:0012714, OMIM 611705. Disease mechanism: loss of function.
Tibial muscular dystrophy (TMD). Also called: UDD MYOPATHY; Tibial muscular dystrophy, tardive; Udd Distal Myopathy – Tibial Muscular Dystrophy. Identifiers: Orphanet 609, MedGen C1838244, MONDO:0010870, OMIM 600334.

Allele frequency attached by ClinVar (database versions not stated): gnomAD exomes 0.00005 and 0.00006; ExAC 0.00008; ESP Exome Variant Server 0.00008; gnomAD 0.00008 and 0.00009; TOPMed 0.00009.
gnomAD v4.1: 91 of 1,612,114 alleles (0.0056%); highest among the groups gnomAD compares: East Asian, 0.038%; 1 homozygote.

Submissions (12):

Molecular Diagnostic Laboratory for Inherited Cardiovascular Disease, Montreal Heart Institute
Classification: Likely benign. Last evaluated: 2025-04-09. Review status: criteria provided, single submitter. Criteria: ACMG Guidelines, 2015. Collection method: clinical testing. Allele origin: germline. Affected: no.

Women's Health and Genetics/Laboratory Corporation of America, LabCorp
Classification: Likely benign. Last evaluated: 2024-04-04. Review status: criteria provided, single submitter. Criteria: LabCorp Variant Classification Summary - May 2015. Collection method: clinical testing. Allele origin: germline.
Comment: Variant summary: TTN c.57811G>A (p.Ala19271Thr) results in a non-conservative amino acid change located in the A-band region of the encoded protein sequence. Two of three in-silico tools predict a damaging effect of the variant on protein function. The variant allele was found at a frequency of 5.5e-05 in 1605192 control chromosomes in the gnomAD database (v4.0 dataset), including 1 homozygote. The variant was found predominantly within the East Asian subpopulation at a frequency of 0.00038. In addition, the variant was also reported in 1 homozygote in healthy Japanese individuals in the jMorp database [PMID: 33179747]. The occurrence in healthy homozygotes suggests that the variant could be a benign polymorphism. To our knowledge, no occurrence of c.57811G>A in individuals affected with Limb-Girdle Muscular Dystrophy, Type 2J and no experimental evidence demonstrating its impact on protein function have been reported. ClinVar contains an entry for this variant (Variation ID: 202795). Based on the evidence outlined above, the variant was classified as likely benign.

Mayo Clinic Laboratories, Mayo Clinic
Classification: Uncertain significance. Last evaluated: 2024-03-22. Review status: criteria provided, single submitter. Criteria: ACMG Guidelines, 2015. Collection method: clinical testing. Allele origin: germline. Observed: 1 variant allele.
Comment: BP4

Revvity Omics, Revvity
Classification: Uncertain significance. Last evaluated: 2021-04-14. Review status: criteria provided, single submitter. Criteria: ACMG Guidelines, 2015. Collection method: clinical testing. Allele origin: germline.

GeneDx
Classification: Likely benign. Last evaluated: 2019-11-15. Review status: criteria provided, single submitter. Criteria: GeneDx Variant Classification Process June 2021. Collection method: clinical testing. Allele origin: germline. Affected: yes.

Ambry Genetics
Classification: Uncertain significance for Cardiovascular phenotype. Last evaluated: 2018-09-27. Review status: criteria provided, single submitter. Criteria: Ambry Variant Classification Scheme 2023. Collection method: clinical testing. Allele origin: germline.
Comment: The p.A12774T variant (also known as c.38320G>A), located in coding exon 139 of the TTN gene, results from a G to A substitution at nucleotide position 38320. The alanine at codon 12774 is replaced by threonine, an amino acid with similar properties. This amino acid position is well conserved in available vertebrate species. In addition, this alteration is predicted to be tolerated by in silico analysis. Since supporting evidence is limited at this time, the clinical significance of this alteration remains unclear.

Illumina Laboratory Services, Illumina
Classification: Benign for Tibial muscular dystrophy. Last evaluated: 2018-01-13. Review status: criteria provided, single submitter. Criteria: ICSL Variant Classification Criteria 13 December 2019. Collection method: clinical testing. Allele origin: germline.
Comment: This variant was observed in the ICSL laboratory as part of a predisposition screen in an ostensibly healthy population. It had not been previously curated by ICSL or reported in the Human Gene Mutation Database (HGMD: prior to June 1st, 2018), and was therefore a candidate for classification through an automated scoring system. Utilizing variant allele frequency, disease prevalence and penetrance estimates, and inheritance mode, an automated score was calculated to assess if this variant is too frequent to cause the disease. Based on the score and internal cut-off values, a variant classified as benign is not then subjected to further curation. The score for this variant resulted in a classification of benign for this disease.

Illumina Laboratory Services, Illumina
Classification: Likely benign for Myopathy, myofibrillar, 9, with early respiratory failure. Last evaluated: 2018-01-13. Review status: criteria provided, single submitter. Criteria: ICSL Variant Classification Criteria 13 December 2019. Collection method: clinical testing. Allele origin: germline.
Comment: This variant was observed in the ICSL laboratory as part of a predisposition screen in an ostensibly healthy population. It had not been previously curated by ICSL or reported in the Human Gene Mutation Database (HGMD: prior to June 1st, 2018), and was therefore a candidate for classification through an automated scoring system. Utilizing variant allele frequency, disease prevalence and penetrance estimates, and inheritance mode, an automated score was calculated to assess if this variant is too frequent to cause the disease. Based on the score and internal cut-off values, a variant classified as likely benign is not then subjected to further curation. The score for this variant resulted in a classification of likely benign for this disease.

Illumina Laboratory Services, Illumina
Classification: Uncertain significance for Dilated cardiomyopathy 1G. Last evaluated: 2018-01-13. Review status: criteria provided, single submitter. Criteria: ICSL Variant Classification Criteria 13 December 2019. Collection method: clinical testing. Allele origin: germline.

Illumina Laboratory Services, Illumina
Classification: Uncertain significance for Autosomal recessive limb-girdle muscular dystrophy type 2J. Last evaluated: 2018-01-13. Review status: criteria provided, single submitter. Criteria: ICSL Variant Classification Criteria 13 December 2019. Collection method: clinical testing. Allele origin: germline.

Illumina Laboratory Services, Illumina
Classification: Uncertain significance for Early-onset myopathy with fatal cardiomyopathy. Last evaluated: 2018-01-13. Review status: criteria provided, single submitter. Criteria: ICSL Variant Classification Criteria 13 December 2019. Collection method: clinical testing. Allele origin: germline.

Labcorp Genetics (formerly Invitae), Labcorp
Classification: Uncertain significance for Dilated cardiomyopathy 1G; Autosomal recessive limb-girdle muscular dystrophy type 2J. Last evaluated: 2017-10-18. Review status: criteria provided, single submitter. Criteria: Invitae Variant Classification Sherloc (09022015). Collection method: clinical testing. Allele origin: germline.

NM_001267550.2(TTN):c.65515G>A (p.Ala21839Thr)

Genes: TTN (titin; minus strand), TTN-AS1 (TTN antisense RNA 1; plus strand). Cytogenetic location: 2q31.2.
Variant type: single nucleotide variant.
Coding change: c.65515G>A on transcript NM_001267550.2 (MANE Select); coding-DNA position 65515, G replaced by A.
Protein change: p.Ala21839Thr; replaces alanine 21839 with threonine.
Molecular consequence: missense variant. On other transcripts: non-coding transcript variant (1).
Genome position (GRCh38, 1-based): chr2:178,583,667, C>T on the plus strand (G>A on the coding strand, the complement: TTN is on the minus strand). VCF-style: chr2-178583667-C-T. GRCh37 (hg19) VCF-style: chr2-179448394-C-T.
Other names: p.A20198T:GCG>ACG; c.60592G>A, p.Ala20198Thr (NM_001256850.1); c.38320G>A, p.Ala12774Thr (NM_003319.4); c.57811G>A, p.Ala19271Thr (NM_133378.4); c.38695G>A, p.Ala12899Thr (NM_133432.3); c.38896G>A, p.Ala12966Thr (NM_133437.4); short protein forms A20198T, A21839T, A19271T, A12774T, A12966T, A12899T.
Identifiers: ClinVar variation 202795 (VCV000202795.17), dbSNP rs56378177, ClinGen allele CA310313.